The following is an entry in ClinVar:

ClinVar aggregate classification (germline): Pathogenic/Likely pathogenic. Review status: criteria provided, multiple submitters, no conflicts (2 of 4 stars). 4 submissions from 4 submitters: Pathogenic (3); Likely pathogenic (1). Last evaluated 2025-01-20.

Conditions:
2-aminoadipic 2-oxoadipic aciduria (AAKAD). Also called: Aminoadipic aciduria; ALPHA-AMINOADIPIC AND ALPHA-KETOADIPIC ACIDURIA. Identifiers: Orphanet 79154, MedGen C1859817, MONDO:0008774, OMIM 204750.

Allele frequency attached by ClinVar (database versions not stated): gnomAD exomes below 0.00001; gnomAD 0.00001.

Submissions (4):

Labcorp Genetics (formerly Invitae), Labcorp
Classification: Pathogenic for 2-aminoadipic 2-oxoadipic aciduria. Last evaluated: 2025-01-20. Review status: criteria provided, single submitter. Criteria: Invitae Variant Classification Sherloc (09022015). Collection method: clinical testing. Allele origin: germline.
Comment: This sequence change creates a premature translational stop signal (p.Thr157Aspfs*21) in the DHTKD1 gene. It is expected to result in an absent or disrupted protein product. Loss-of-function variants in DHTKD1 are known to be pathogenic (PMID: 23141293, 25860818). This variant is not present in population databases (gnomAD no frequency). This variant has not been reported in the literature in individuals affected with DHTKD1-related conditions. ClinVar contains an entry for this variant (Variation ID: 424585). For these reasons, this variant has been classified as Pathogenic.

CeGaT Center for Human Genetics Tuebingen
Classification: Pathogenic. Last evaluated: 2024-02-01. Review status: criteria provided, single submitter. Criteria: CeGaT Center For Human Genetics Tuebingen Variant Classification Criteria Version 2. Collection method: clinical testing. Allele origin: germline. Affected: yes. Observed: 2 variant alleles.
Comment: DHTKD1: PVS1, PM2

Genomic Research Center, Shahid Beheshti University of Medical Sciences
Classification: Pathogenic for 2-aminoadipic 2-oxoadipic aciduria. Last evaluated: 2018-08-07. Review status: criteria provided, single submitter. Criteria: ACMG Guidelines, 2015. Collection method: clinical testing. Allele origin: inherited. Affected: yes. Observed: 1 variant allele.

GeneDx
Classification: Likely pathogenic. Last evaluated: 2017-03-30. Review status: criteria provided, single submitter. Criteria: GeneDx Variant Classification (06012015). Collection method: clinical testing. Allele origin: germline. Affected: yes.
Comment: The c.467dupA variant in the DHTKD1 gene has not been reported previously as a pathogenic variant nor as a benign variant, to our knowledge. The c.467dupA variant causes a frameshift starting with codon Threonine 157, changes this amino acid to a Aspartic acid residue, and creates a premature Stop codon at position 21 of the new reading frame, denoted p.Thr157AspfsX21. This variant is predicted to cause loss of normal protein function either through protein truncation or nonsense-mediated mRNA decay. The c.467dupA variant is not observed in large population cohorts (Lek et al., 2016; 1000 Genomes Consortium et al., 2015; Exome Variant Server). The c.467dupA variant is a strong candidate for a pathogenic variant.

Literature cited by the submitters: PubMed 23141293 (cited by Labcorp Genetics (formerly Invitae), Labcorp); PubMed 25860818 (cited by Labcorp Genetics (formerly Invitae), Labcorp).

NM_018706.7(DHTKD1):c.467dup (p.Thr157fs)

Gene: DHTKD1 (dehydrogenase E1 and transketolase domain containing 1; plus strand). Cytogenetic location: 10p14.
Variant type: Duplication.
Coding change: c.467dup on transcript NM_018706.7 (MANE Select); coding-DNA position 467, one base duplicated (A; older notation c.467dupA).
Protein change: p.Thr157fs; shifts the reading frame from threonine 157.
Molecular consequence: frameshift variant.
Genome position (GRCh38, 1-based): chr10:12,084,696, A duplicated. VCF-style (leftmost placement, unchanged base first): chr10-12084695-G-GA. GRCh37 (hg19) VCF-style: chr10-12126694-G-GA.
Other names: short protein forms T157fs.
Identifiers: ClinVar variation 424585 (VCV000424585.29), dbSNP rs1554791360, ClinGen allele CA16618937.